The following is an entry in ClinVar:

NM_000038.6(APC):c.6531A>C (p.Glu2177Asp)

Gene: APC (APC regulator of Wnt signaling pathway; plus strand). Cytogenetic location: 5q22.2.
Variant type: single nucleotide variant.
Coding change: c.6531A>C on transcript NM_000038.6 (MANE Select); coding-DNA position 6531, A replaced by C.
Protein change: p.Glu2177Asp; replaces glutamic acid 2177 with aspartic acid.
Molecular consequence: missense variant. On other transcripts: non-coding transcript variant (2).
Genome position (GRCh38, 1-based): chr5:112,842,125, A>C. VCF-style: chr5-112842125-A-C. GRCh37 (hg19) VCF-style: chr5-112177822-A-C.
Other names: c.6531A>C, p.Glu2177Asp (NM_001127510.3, NM_001354895.2, NM_001407450.1); c.6477A>C, p.Glu2159Asp (NM_001127511.3); c.6585A>C, p.Glu2195Asp (NM_001354896.2, NM_001407447.1, NM_001407448.1 and 1 more transcripts); c.6561A>C, p.Glu2187Asp (NM_001354897.2); c.6456A>C, p.Glu2152Asp (NM_001354898.2); c.6447A>C, p.Glu2149Asp (NM_001354899.2); c.6408A>C, p.Glu2136Asp (NM_001354900.2); c.6354A>C, p.Glu2118Asp (NM_001354901.2, NM_001407453.1); and 11 more; short protein forms E1793D, E1894D, E2017D, E2048D, E2051D, E2076D, E2086D, E2094D.
Identifiers: ClinVar variation 4757451 (VCV004757451.1).

ClinVar aggregate classification (germline): Uncertain significance (1 of 4 stars; one submission).

Conditions:
Hereditary cancer-predisposing syndrome. Also called: Tumor predisposition; Hereditary Cancer Syndrome; Neoplastic Syndromes, Hereditary; Hereditary neoplastic syndrome. Identifiers: Orphanet 140162, MedGen C0027672, MeSH D009386, MONDO:0015356.

Submission:

Color Diagnostics, LLC DBA Color Health
Classification: Uncertain significance for Hereditary cancer-predisposing syndrome. Last evaluated: 2025-06-30. Review status: criteria provided, single submitter. Criteria: ACMG Guidelines, 2015. Collection method: clinical testing. Allele origin: germline.
Comment: This missense variant replaces glutamic acid with aspartic acid at codon 2177 of the APC protein. Computational prediction suggests that this variant may not impact protein structure and function. To our knowledge, functional studies have not been reported for this variant. This variant has not been reported in individuals affected with APC-related disorders in the literature. This variant has not been identified in the general population by the Genome Aggregation Database (gnomAD). The available evidence is insufficient to determine the role of this variant in disease conclusively. Therefore, this variant is classified as a Variant of Uncertain Significance.